The following is an entry in ClinVar:

ClinVar aggregate classification (germline): Benign. Review status: criteria provided, multiple submitters, no conflicts (2 of 4 stars). 3 submissions from 3 submitters: Benign (3). Last evaluated 2026-09-01.

Allele frequency attached by ClinVar (database versions not stated): 1000 Genomes Project 0.00280; 1000 Genomes Project 30x 0.00312; ExAC 0.00718; gnomAD 0.00702 and 0.00723; TOPMed 0.00709; ESP Exome Variant Server 0.00999; gnomAD exomes 0.00700.
gnomAD v4.1: 14,018 of 1,603,838 alleles (0.87%); highest among the groups gnomAD compares: Non-Finnish European, 1%; 85 homozygotes.

Submissions (3):

CeGaT Center for Human Genetics Tuebingen
Classification: Benign. Last evaluated: 2026-09-01. Review status: criteria provided, single submitter. Criteria: CeGaT Center For Human Genetics Tuebingen Variant Classification Criteria Version 2. Collection method: clinical testing. Allele origin: germline. Affected: yes. Observed: 25 variant alleles.
Comment: XPO5: BP4, BP7, BS1, BS2; POLR1C: BS1, BS2

Labcorp Genetics (formerly Invitae), Labcorp
Classification: Benign. Last evaluated: 2026-01-19. Review status: criteria provided, single submitter. Criteria: Invitae Variant Classification Sherloc (09022015). Collection method: clinical testing. Allele origin: germline.

GeneDx
Classification: Benign. Last evaluated: 2020-03-12. Review status: criteria provided, single submitter. Criteria: GeneDx Variant Classification Process June 2021. Collection method: clinical testing. Allele origin: germline. Affected: yes.

NM_020750.3(XPO5):c.2424G>A (p.Ala808=)

Genes: XPO5 (exportin 5; minus strand), POLR1C (RNA polymerase I and III subunit C; plus strand). Cytogenetic location: 6p21.1.
Variant type: single nucleotide variant.
Coding change: c.2424G>A on transcript NM_020750.3 (MANE Select); coding-DNA position 2424, G replaced by A.
Protein change: p.Ala808=; no amino-acid change (alanine 808 retained).
Molecular consequence: synonymous variant. On other transcripts: non-coding transcript variant (1), intron variant (1).
Genome position (GRCh38, 1-based): chr6:43,533,926, C>T on the plus strand (G>A on the coding strand, the complement: XPO5 is on the minus strand). VCF-style: chr6-43533926-C-T. GRCh37 (hg19) VCF-style: chr6-43501663-C-T.
Other names: c.922+12878C>T (NM_001363658.2).
Identifiers: ClinVar variation 769314 (VCV000769314.35), dbSNP rs61748655, ClinGen allele CA3826160.